The following is an entry in ClinVar:

ClinVar aggregate classification (germline): Uncertain significance (1 of 4 stars; one submission).

Conditions:
Charcot-Marie-Tooth disease axonal type 2Z. Also called: CHARCOT-MARIE-TOOTH DISEASE, AXONAL, AUTOSOMAL DOMINANT, TYPE 2Z; CHARCOT-MARIE-TOOTH NEUROPATHY, TYPE 2Z. Identifiers: Orphanet 466768, MedGen C5569025, MONDO:0014736, OMIM 616688.

Submission:

Labcorp Genetics (formerly Invitae), Labcorp
Classification: Uncertain significance for Charcot-Marie-Tooth disease axonal type 2Z. Last evaluated: 2025-12-03. Review status: criteria provided, single submitter. Criteria: Invitae Variant Classification Sherloc (09022015). Collection method: clinical testing. Allele origin: germline.
Comment: This sequence change replaces glycine, which is neutral and non-polar, with valine, which is neutral and non-polar, at codon 469 of the MORC2 protein (p.Gly469Val). This variant is not present in population databases (gnomAD no frequency). This variant has not been reported in the literature in individuals affected with MORC2-related conditions. Invitae Evidence Modeling of protein sequence and biophysical properties (such as structural, functional, and spatial information, amino acid conservation, physicochemical variation, residue mobility, and thermodynamic stability) indicates that this missense variant is expected to disrupt MORC2 protein function with a positive predictive value of 95%. In summary, the available evidence is currently insufficient to determine the role of this variant in disease. Therefore, it has been classified as a Variant of Uncertain Significance.

NM_001303256.3(MORC2):c.1406G>T (p.Gly469Val)

Gene: MORC2 (MORC family CW-type zinc finger 2; minus strand). Cytogenetic location: 22q12.2.
Variant type: single nucleotide variant.
Coding change: c.1406G>T on transcript NM_001303256.3 (MANE Select); coding-DNA position 1406, G replaced by T.
Protein change: p.Gly469Val; replaces glycine 469 with valine.
Molecular consequence: missense variant.
Genome position (GRCh38, 1-based): chr22:30,937,675, C>A on the plus strand (G>T on the coding strand, the complement: MORC2 is on the minus strand). VCF-style: chr22-30937675-C-A. GRCh37 (hg19) VCF-style: chr22-31333662-C-A.
Other names: c.1406G>T, p.Gly469Val (NM_001303257.2); c.1220G>T, p.Gly407Val (NM_014941.3); short protein forms G407V, G469V.
Identifiers: ClinVar variation 4803189 (VCV004803189.1).
Genomic context (GRCh38, chr22:30,937,675, plus strand): 5'-CTCCGGCGTTTGTAACGCAGCTCACTGGATGGGGGCTGGTTCCAGTTGGCAGAGAGGTAG[C>A]CAAACTCATCCCAGAACTTGATGATTCCCCTCTGGGCTGGAAAGCAAACACCGATACATC-3'
Protein context (NP_001290185.1, residues 459-479): RGIIKFWDEF[Gly469Val]YLSANWNQPP